The following is an entry in ClinVar:

NM_002087.4(GRN):c.101C>T (p.Pro34Leu)

Gene: GRN (granulin precursor; plus strand). Cytogenetic location: 17q21.31.
Variant type: single nucleotide variant.
Coding change: c.101C>T on transcript NM_002087.4 (MANE Select); coding-DNA position 101, C replaced by T.
Protein change: p.Pro34Leu; replaces proline 34 with leucine.
Molecular consequence: missense variant.
Genome position (GRCh38, 1-based): chr17:44,349,265, C>T. VCF-style: chr17-44349265-C-T. GRCh37 (hg19) VCF-style: chr17-42426633-C-T.
Other names: short protein forms P34L.
Identifiers: ClinVar variation 1755347 (VCV001755347.4), dbSNP rs977833315, ClinGen allele CA290922260.
Genomic context (GRCh38, chr17:44,349,265, plus strand): 5'-TGGTGGCTGGAACGCGGTGCCCAGATGGTCAGTTCTGCCCTGTGGCCTGCTGCCTGGACC[C>T]CGGAGGAGCCAGCTACAGCTGCTGCCGTCCCCTTCTGGTGAGTGCCCCTCAGCCTAGGCA-3'
Protein context (NP_002078.1, residues 24-44): QFCPVACCLD[Pro34Leu]GGASYSCCRP

ClinVar aggregate classification (germline): Uncertain significance. Review status: criteria provided, multiple submitters, no conflicts (2 of 4 stars). 2 submissions from 2 submitters: Uncertain significance (2). Last evaluated 2024-04-04.

Conditions:
Inborn genetic diseases. Identifiers: MedGen C0950123, MeSH D030342.
GRN-related frontotemporal lobar degeneration with Tdp43 inclusions (FTD2). Also called: DEMENTIA, HEREDITARY DYSPHASIC DISINHIBITION; FRONTOTEMPORAL LOBAR DEGENERATION WITH UBIQUITIN-POSITIVE INCLUSIONS; FTLD-TDP, GRN-RELATED; GRN Frontotemporal Dementia; FRONTOTEMPORAL DEMENTIA WITH TDP43 INCLUSIONS, GRN-RELATED. Identifiers: Orphanet 100070, Orphanet 282, MedGen C1843792, MONDO:0011842, OMIM 607485. Disease mechanism: loss of function.
Neuronal ceroid lipofuscinosis 11. Also called: GRN-Related Neuronal Ceroid-Lipofuscinosis. Identifiers: Orphanet 314629, Orphanet 79262, MedGen C3539123, MONDO:0013866, OMIM 614706.

gnomAD v4.1: 2 of 1,614,000 alleles (0.00012%); highest among the groups gnomAD compares: Non-Finnish European, 0.00017%; no homozygotes.

Submissions (2):

Labcorp Genetics (formerly Invitae), Labcorp
Classification: Uncertain significance for Neuronal ceroid lipofuscinosis 11; GRN-related frontotemporal lobar degeneration with Tdp43 inclusions. Last evaluated: 2024-04-04. Review status: criteria provided, single submitter. Criteria: Invitae Variant Classification Sherloc (09022015). Collection method: clinical testing. Allele origin: germline.
Comment: This sequence change replaces proline, which is neutral and non-polar, with leucine, which is neutral and non-polar, at codon 34 of the GRN protein (p.Pro34Leu). This variant is not present in population databases (gnomAD no frequency). This variant has not been reported in the literature in individuals affected with GRN-related conditions. ClinVar contains an entry for this variant (Variation ID: 1755347). Algorithms developed to predict the effect of missense changes on protein structure and function output the following: SIFT: "Not Available"; PolyPhen-2: "Benign"; Align-GVGD: "Not Available". The leucine amino acid residue is found in multiple mammalian species, which suggests that this missense change does not adversely affect protein function. In summary, the available evidence is currently insufficient to determine the role of this variant in disease. Therefore, it has been classified as a Variant of Uncertain Significance.

Ambry Genetics
Classification: Uncertain significance for Inborn genetic diseases. Last evaluated: 2018-09-09. Review status: criteria provided, single submitter. Criteria: Ambry Variant Classification Scheme 2023. Collection method: clinical testing. Allele origin: germline.
Comment: The p.P34L variant (also known as c.101C>T), located in coding exon 1 of the GRN gene, results from a C to T substitution at nucleotide position 101. The proline at codon 34 is replaced by leucine, an amino acid with similar properties. This amino acid position is well conserved in available vertebrate species. In addition, this alteration is predicted to be tolerated by in silico analysis. Since supporting evidence is limited at this time, the clinical significance of this alteration remains unclear.